The following is an entry in ClinVar:

NM_014014.5(SNRNP200):c.2820TGA[1] (p.Asp942del)

Gene: SNRNP200 (small nuclear ribonucleoprotein U5 subunit 200; minus strand). Cytogenetic location: 2q11.2.
Variant type: Microsatellite.
Coding change: c.2820TGA[1] on transcript NM_014014.5 (MANE Select); one copy of the 3-base unit TGA starting at c.2820; the reference has two copies in a row; one copy, 3 bases deleted.
Protein change: p.Asp942del; deletes aspartic acid 942.
Molecular consequence: inframe deletion.
Genome position (GRCh38, 1-based): chr2:96,289,914-96,289,916, TCA deleted on the plus strand (TGA on the coding strand, the reverse complement: SNRNP200 is on the minus strand); deleting any 3 consecutive bases within chr2:96,289,914-96,289,920 gives the same sequence; the position shown is the placement nearest the transcript's 3' end. VCF-style (leftmost placement, unchanged base first): chr2-96289913-GTCA-G. GRCh37 (hg19) VCF-style: chr2-96955651-GTCA-G.
Other names: short protein forms D942del.
Identifiers: ClinVar variation 1995299 (VCV001995299.4), dbSNP rs2467334752, ClinGen allele CA2580611681.

ClinVar aggregate classification (germline): Uncertain significance (1 of 4 stars; one submission).

Submission:

Labcorp Genetics (formerly Invitae), Labcorp
Classification: Uncertain significance. Last evaluated: 2024-12-02. Review status: criteria provided, single submitter. Criteria: Invitae Variant Classification Sherloc (09022015). Collection method: clinical testing. Allele origin: germline.
Comment: This variant, c.2823_2825del, results in the deletion of 1 amino acid(s) of the SNRNP200 protein (p.Asp942del), but otherwise preserves the integrity of the reading frame. This variant is not present in population databases (gnomAD no frequency). This variant has not been reported in the literature in individuals affected with SNRNP200-related conditions. Experimental studies and prediction algorithms are not available or were not evaluated, and the functional significance of this variant is currently unknown. In summary, the available evidence is currently insufficient to determine the role of this variant in disease. Therefore, it has been classified as a Variant of Uncertain Significance.